The following is an entry in ClinVar:

ClinVar aggregate classification (germline): Uncertain significance. Review status: criteria provided, multiple submitters, no conflicts (2 of 4 stars). 2 submissions from 2 submitters: Uncertain significance (2). Last evaluated 2024-06-28.

Conditions:
Renal cell carcinoma. Identifiers: Orphanet 217071, MedGen C0007134, MeSH D002292, MONDO:0005086, HP:0005584.
Autosomal recessive nonsyndromic hearing loss 97. Also called: Deafness, autosomal recessive 97. Identifiers: Orphanet 90636, MedGen C4084709, MONDO:0014739, OMIM 616705.

Submissions (2):

Labcorp Genetics (formerly Invitae), Labcorp
Classification: Uncertain significance for Renal cell carcinoma. Last evaluated: 2024-06-28. Review status: criteria provided, single submitter. Criteria: Invitae Variant Classification Sherloc (09022015). Collection method: clinical testing. Allele origin: germline.
Comment: This sequence change replaces serine, which is neutral and polar, with arginine, which is basic and polar, at codon 701 of the MET protein (p.Ser701Arg). This variant is not present in population databases (gnomAD no frequency). This variant has not been reported in the literature in individuals affected with MET-related conditions. An algorithm developed to predict the effect of missense changes on protein structure and function (PolyPhen-2) suggests that this variant is likely to be tolerated. Algorithms developed to predict the effect of sequence changes on RNA splicing suggest that this variant may disrupt the consensus splice site. In summary, the available evidence is currently insufficient to determine the role of this variant in disease. Therefore, it has been classified as a Variant of Uncertain Significance.

Baylor Genetics
Classification: Uncertain significance for Autosomal recessive nonsyndromic hearing loss 97. Last evaluated: 2024-03-12. Review status: criteria provided, single submitter. Criteria: ACMG Guidelines, 2015. Collection method: clinical testing. Allele origin: unknown.

NM_000245.4(MET):c.2101A>C (p.Ser701Arg)

Gene: MET (MET proto-oncogene, receptor tyrosine kinase; plus strand). Cytogenetic location: 7q31.2.
Variant type: single nucleotide variant.
Coding change: c.2101A>C on transcript NM_000245.4 (MANE Select); coding-DNA position 2101, A replaced by C.
Protein change: p.Ser701Arg; replaces serine 701 with arginine.
Molecular consequence: missense variant.
Genome position (GRCh38, 1-based): chr7:116,757,773, A>C. VCF-style: chr7-116757773-A-C. GRCh37 (hg19) VCF-style: chr7-116397827-A-C.
Other names: c.2101A>C, p.Ser701Arg (NM_001127500.3, NM_001324401.3); c.811A>C, p.Ser271Arg (NM_001324402.2); short protein forms S271R, S701R.
Identifiers: ClinVar variation 2970941 (VCV002970941.4), dbSNP rs2116925486, ClinGen allele CA368980295.